The following is an entry in ClinVar:

NM_014679.5(CEP57):c.1156C>G (p.Gln386Glu)

Gene: CEP57 (centrosomal protein 57; plus strand). Cytogenetic location: 11q21.
Variant type: single nucleotide variant.
Coding change: c.1156C>G on transcript NM_014679.5 (MANE Select); coding-DNA position 1156, C replaced by G.
Protein change: p.Gln386Glu; replaces glutamine 386 with glutamic acid.
Molecular consequence: missense variant.
Genome position (GRCh38, 1-based): chr11:95,829,215, C>G. VCF-style: chr11-95829215-C-G. GRCh37 (hg19) VCF-style: chr11-95562379-C-G.
Other names: c.1075C>G, p.Gln359Glu (NM_001440869.1, NM_001440870.1, NM_001363604.2); c.1048C>G, p.Gln350Glu (NM_001440871.1); c.1039C>G, p.Gln347Glu (NM_001440872.1); c.976C>G, p.Gln326Glu (NM_001440873.1); c.970C>G, p.Gln324Glu (NM_001440874.1); c.967C>G, p.Gln323Glu (NM_001440875.1); c.961C>G, p.Gln321Glu (NM_001440876.1); c.958C>G, p.Gln320Glu (NM_001440877.1, NM_001440878.1); and 6 more; short protein forms Q320E, Q359E, Q299E, Q321E, Q347E, Q285E, Q323E, Q324E.
Identifiers: ClinVar variation 4226381 (VCV004226381.1).

ClinVar aggregate classification (germline): Uncertain significance (1 of 4 stars; one submission).

Conditions:
Inborn genetic diseases. Identifiers: MedGen C0950123, MeSH D030342.

gnomAD v4.1: 1 of 1,613,796 alleles (0.000062%); highest among the groups gnomAD compares: Admixed American, 0.0017%; no homozygotes.

Submission:

Ambry Genetics
Classification: Uncertain significance for Inborn genetic diseases. Last evaluated: 2025-08-20. Review status: criteria provided, single submitter. Criteria: Ambry Variant Classification Scheme 2023. Collection method: clinical testing. Allele origin: germline.
Comment: The p.Q386E variant (also known as c.1156C>G), located in coding exon 10 of the CEP57 gene, results from a C to G substitution at nucleotide position 1156. The glutamine at codon 386 is replaced by glutamic acid, an amino acid with highly similar properties. This amino acid position is conserved. In addition, this alteration is predicted to be tolerated by in silico analysis. Based on the available evidence, the clinical significance of this variant remains unclear.